The following is an entry in ClinVar:

NM_020338.4(ZMIZ1):c.577A>G (p.Met193Val)

Gene: ZMIZ1 (zinc finger MIZ-type containing 1; plus strand). Cytogenetic location: 10q22.3.
Variant type: single nucleotide variant.
Coding change: c.577A>G on transcript NM_020338.4 (MANE Select); coding-DNA position 577, A replaced by G.
Protein change: p.Met193Val; replaces methionine 193 with valine.
Molecular consequence: missense variant.
Genome position (GRCh38, 1-based): chr10:79,290,995, A>G. VCF-style: chr10-79290995-A-G. GRCh37 (hg19) VCF-style: chr10-81050752-A-G.
Other names: short protein forms M193V.
Identifiers: ClinVar variation 992794 (VCV000992794.11), dbSNP rs1280033992, ClinGen allele CA377332015.

ClinVar aggregate classification (germline): Uncertain significance. Review status: criteria provided, multiple submitters, no conflicts (2 of 4 stars). 2 submissions from 2 submitters: Uncertain significance (2). Last evaluated 2025-10-11.

Conditions:
Neurodevelopmental disorder with dysmorphic facies and distal skeletal anomalies. Identifiers: MedGen C5231448, MONDO:0032855, OMIM 618659.

Allele frequency attached by ClinVar (database versions not stated): TOPMed 0.00002; gnomAD 0.00003.

Submissions (2):

Labcorp Genetics (formerly Invitae), Labcorp
Classification: Uncertain significance. Last evaluated: 2025-10-11. Review status: criteria provided, single submitter. Criteria: Invitae Variant Classification Sherloc (09022015). Collection method: clinical testing. Allele origin: germline.
Comment: This sequence change replaces methionine, which is neutral and non-polar, with valine, which is neutral and non-polar, at codon 193 of the ZMIZ1 protein (p.Met193Val). This variant is present in population databases (no rsID available, gnomAD 0.006%). This variant has not been reported in the literature in individuals affected with ZMIZ1-related conditions. ClinVar contains an entry for this variant (Variation ID: 992794). Invitae Evidence Modeling of protein sequence and biophysical properties (such as structural, functional, and spatial information, amino acid conservation, physicochemical variation, residue mobility, and thermodynamic stability) indicates that this missense variant is not expected to disrupt ZMIZ1 protein function with a negative predictive value of 95%. In summary, the available evidence is currently insufficient to determine the role of this variant in disease. Therefore, it has been classified as a Variant of Uncertain Significance.

New York Genome Center
Classification: Uncertain significance for Neurodevelopmental disorder with dysmorphic facies and distal skeletal anomalies. Last evaluated: 2019-07-19. Review status: criteria provided, single submitter. Criteria: NYGC Assertion Criteria 2020. Collection method: clinical testing. Allele origin: germline. Observed: 1 heterozygote. Study: CSER-NYCKidSeq.
Comment: The Met193Val missense variant in the ZMIZ1 gene has not been reported in affected individuals in the literature. This variant has 0.000008 allele frequency in gnomAD (2 out of 251,144 heterozygous alleles) indicating that it is extremely rare allele in the populations represented in that database. This variant affects evolutionary conserved residues and In Silico prediction tools show conflicting predictions about its pathogenicity. Based on the current evidence, the Met193Val variant in the ZMIZ1 gene is assessed as a variant of uncertain significance.